The following is an entry in ClinVar:

NM_004525.3(LRP2):c.11150G>C (p.Arg3717Thr)

Gene: LRP2 (LDL receptor related protein 2; minus strand). Cytogenetic location: 2q31.1.
Variant type: single nucleotide variant.
Coding change: c.11150G>C on transcript NM_004525.3 (MANE Select); coding-DNA position 11150, G replaced by C.
Protein change: p.Arg3717Thr; replaces arginine 3717 with threonine.
Molecular consequence: missense variant.
Genome position (GRCh38, 1-based): chr2:169,172,128, C>G on the plus strand (G>C on the coding strand, the complement: LRP2 is on the minus strand). VCF-style: chr2-169172128-C-G. GRCh37 (hg19) VCF-style: chr2-170028638-C-G.
Other names: short protein forms R3717T.
Identifiers: ClinVar variation 894262 (VCV000894262.7), dbSNP rs1165934355, ClinGen allele CA349143154.

ClinVar aggregate classification (germline): Uncertain significance. Review status: criteria provided, multiple submitters, no conflicts (2 of 4 stars). 3 submissions from 3 submitters: Uncertain significance (3). Last evaluated 2024-03-07.

Conditions:
Donnai-Barrow syndrome. Also called: DBS/FOAR SYNDROME; FACIOOCULOACOUSTICORENAL SYNDROME. Identifiers: Orphanet 2143, MedGen C1857277, MONDO:0009104, OMIM 222448.

Allele frequency attached by ClinVar (database versions not stated): TOPMed below 0.00001; gnomAD exomes 0.00001.
gnomAD v4.1: 22 of 1,614,120 alleles (0.0014%); highest among the groups gnomAD compares: Admixed American, 0.0033%; no homozygotes.

Submissions (3):

Fulgent Genetics
Classification: Uncertain significance for Donnai-Barrow syndrome. Last evaluated: 2024-03-07. Review status: criteria provided, single submitter. Criteria: ACMG Guidelines, 2015. Collection method: clinical testing. Allele origin: germline.

Labcorp Genetics (formerly Invitae), Labcorp
Classification: Uncertain significance. Last evaluated: 2022-04-23. Review status: criteria provided, single submitter. Criteria: Invitae Variant Classification Sherloc (09022015). Collection method: clinical testing. Allele origin: germline.
Comment: This sequence change replaces arginine, which is basic and polar, with threonine, which is neutral and polar, at codon 3717 of the LRP2 protein (p.Arg3717Thr). This variant is present in population databases (no rsID available, gnomAD 0.006%). This variant has not been reported in the literature in individuals affected with LRP2-related conditions. ClinVar contains an entry for this variant (Variation ID: 894262). Advanced modeling of protein sequence and biophysical properties (such as structural, functional, and spatial information, amino acid conservation, physicochemical variation, residue mobility, and thermodynamic stability) performed at Invitae indicates that this missense variant is not expected to disrupt LRP2 protein function. In summary, the available evidence is currently insufficient to determine the role of this variant in disease. Therefore, it has been classified as a Variant of Uncertain Significance.

Illumina Laboratory Services, Illumina
Classification: Uncertain significance for Donnai-Barrow syndrome. Last evaluated: 2018-01-12. Review status: criteria provided, single submitter. Criteria: ICSL Variant Classification Criteria 13 December 2019. Collection method: clinical testing. Allele origin: germline.